The following is an entry in ClinVar:

NM_152419.3(HGSNAT):c.945_946delinsTC (p.Trp316Arg)

Gene: HGSNAT (heparan-alpha-glucosaminide N-acetyltransferase; plus strand). Cytogenetic location: 8p11.21.
Variant type: Indel.
Coding change: c.945_946delinsTC on transcript NM_152419.3 (MANE Select); coding-DNA positions 945 to 946, AT replaced by TC.
Protein change: p.Trp316Arg; replaces tryptophan 316 with arginine.
Molecular consequence: missense variant. On other transcripts: intron variant (1).
Genome position (GRCh38, 1-based): chr8:43,178,167-43,178,168, AT replaced by TC. VCF-style: chr8-43178167-AT-TC. GRCh37 (hg19) VCF-style: chr8-43033310-AT-TC.
Other names: c.945_946delinsTC, p.Trp316Arg (NM_001363227.2); c.81_82delinsTC, p.Trp28Arg (NM_001363229.2); c.821-3978_821-3977delinsTC (NM_001363228.2); short protein forms W28R, W316R.
Identifiers: ClinVar variation 1714900 (VCV001714900.5), dbSNP rs2487003005, ClinGen allele CA2580078324.

ClinVar aggregate classification (germline): Uncertain significance (1 of 4 stars; one submission).

Conditions:
Mucopolysaccharidosis, MPS-III-C (MPS3C). Also called: MUCOPOLYSACCHARIDOSIS, TYPE IIIC; Mucopolysaccharidosis type IIIC (Sanfilippo C); SANFILIPPO SYNDROME C; MPS III C; mucopolysaccharidosis type 3C; MPS IIIC (Sanfilippo Syndrome Type C). Identifiers: Orphanet 581, Orphanet 79271, MedGen C0086649, MONDO:0009657, OMIM 252930.
Retinitis pigmentosa 73 (RP73). Identifiers: Orphanet 791, MedGen C4225287, MONDO:0014687, OMIM 616544.

Submission:

Labcorp Genetics (formerly Invitae), Labcorp
Classification: Uncertain significance for Retinitis pigmentosa 73; Mucopolysaccharidosis, MPS-III-C. Last evaluated: 2023-07-07. Review status: criteria provided, single submitter. Criteria: Invitae Variant Classification Sherloc (09022015). Collection method: clinical testing. Allele origin: germline.
Comment: This sequence change replaces tryptophan, which is neutral and slightly polar, with arginine, which is basic and polar, at codon 316 of the HGSNAT protein (p.Trp316Arg). Information on the frequency of this variant in the gnomAD database is not available, as this variant may be reported differently in the database. This variant has not been reported in the literature in individuals affected with HGSNAT-related conditions. ClinVar contains an entry for this variant (Variation ID: 1714900). Experimental studies and prediction algorithms are not available or were not evaluated, and the functional significance of this variant is currently unknown. In summary, the available evidence is currently insufficient to determine the role of this variant in disease. Therefore, it has been classified as a Variant of Uncertain Significance.